The following is an entry in ClinVar:

ClinVar aggregate classification (germline): Uncertain significance. Review status: criteria provided, multiple submitters, no conflicts (2 of 4 stars). 5 submissions from 4 submitters: Uncertain significance (5). Last evaluated 2024-04-22.

Conditions:
Familial cutaneous telangiectasia and oropharyngeal predisposition cancer syndrome. Identifiers: Orphanet 313846, MedGen C3281203, MONDO:0013806, OMIM 614564.
Inborn genetic diseases. Identifiers: MedGen C0950123, MeSH D030342.
Seckel syndrome 1 (SCKL1). Also called: MICROCEPHALIC PRIMORDIAL DWARFISM I. Identifiers: Orphanet 808, MedGen C4551474, MONDO:0008869, OMIM 210600.

Allele frequency attached by ClinVar (database versions not stated): ExAC 0.00001; gnomAD 0.00001; gnomAD exomes 0.00001; TOPMed 0.00001.
gnomAD v4.1: 4 of 1,613,928 alleles (0.00025%); highest among the groups gnomAD compares: Admixed American, 0.0067%; no homozygotes.

Submissions (5):

Labcorp Genetics (formerly Invitae), Labcorp
Classification: Uncertain significance. Last evaluated: 2024-04-22. Review status: criteria provided, single submitter. Criteria: Invitae Variant Classification Sherloc (09022015). Collection method: clinical testing. Allele origin: germline.
Comment: This sequence change replaces proline, which is neutral and non-polar, with serine, which is neutral and polar, at codon 429 of the ATR protein (p.Pro429Ser). This variant is present in population databases (rs764970007, gnomAD 0.01%). This variant has not been reported in the literature in individuals affected with ATR-related conditions. ClinVar contains an entry for this variant (Variation ID: 1315363). Algorithms developed to predict the effect of missense changes on protein structure and function output the following: SIFT: "Not Available"; PolyPhen-2: "Benign"; Align-GVGD: "Not Available". The serine amino acid residue is found in multiple mammalian species, which suggests that this missense change does not adversely affect protein function. In summary, the available evidence is currently insufficient to determine the role of this variant in disease. Therefore, it has been classified as a Variant of Uncertain Significance.

Genome-Nilou Lab
Classification: Uncertain significance for Seckel syndrome 1. Last evaluated: 2023-02-08. Review status: criteria provided, single submitter. Criteria: ACMG Guidelines, 2015. Collection method: clinical testing. Allele origin: germline.

Genome-Nilou Lab
Classification: Uncertain significance for Familial cutaneous telangiectasia and oropharyngeal predisposition cancer syndrome. Last evaluated: 2023-02-08. Review status: criteria provided, single submitter. Criteria: ACMG Guidelines, 2015. Collection method: clinical testing. Allele origin: germline.

Ambry Genetics
Classification: Uncertain significance for Inborn genetic diseases. Last evaluated: 2021-08-23. Review status: criteria provided, single submitter. Criteria: Ambry Variant Classification Scheme 2023. Collection method: clinical testing. Allele origin: germline.
Comment: The p.P429S variant (also known as c.1285C>T), located in coding exon 5 of the ATR gene, results from a C to T substitution at nucleotide position 1285. The proline at codon 429 is replaced by serine, an amino acid with similar properties. This amino acid position is conserved. In addition, this alteration is predicted to be tolerated by in silico analysis. Since supporting evidence is limited at this time, the clinical significance of this alteration remains unclear.

GeneDx
Classification: Uncertain significance. Last evaluated: 2020-02-10. Review status: criteria provided, single submitter. Criteria: GeneDx Variant Classification Process June 2021. Collection method: clinical testing. Allele origin: germline. Affected: yes.
Comment: Has not been previously published as pathogenic or benign to our knowledge; Not observed at a significant frequency in large population cohorts (Lek et al., 2016); In silico analysis supports that this missense variant does not alter protein structure/function

NM_001184.4(ATR):c.1285C>T (p.Pro429Ser)

Gene: ATR (ATR checkpoint kinase; minus strand). Cytogenetic location: 3q23.
Variant type: single nucleotide variant.
Coding change: c.1285C>T on transcript NM_001184.4 (MANE Select); coding-DNA position 1285, C replaced by T.
Protein change: p.Pro429Ser; replaces proline 429 with serine.
Molecular consequence: missense variant.
Genome position (GRCh38, 1-based): chr3:142,561,307, G>A on the plus strand (C>T on the coding strand, the complement: ATR is on the minus strand). VCF-style: chr3-142561307-G-A. GRCh37 (hg19) VCF-style: chr3-142280149-G-A.
Other names: c.1285C>T, p.Pro429Ser (NM_001354579.2); short protein forms P429S.
Identifiers: ClinVar variation 1315363 (VCV001315363.11), dbSNP rs764970007, ClinGen allele CA2650638.